The following is an entry in ClinVar:

ClinVar aggregate classification (germline): Uncertain significance (1 of 4 stars; one submission).

Submission:

Labcorp Genetics (formerly Invitae), Labcorp
Classification: Uncertain significance. Last evaluated: 2022-12-06. Review status: criteria provided, single submitter. Criteria: Invitae Variant Classification Sherloc (09022015). Collection method: clinical testing. Allele origin: germline.
Comment: In summary, the available evidence is currently insufficient to determine the role of this variant in disease. Therefore, it has been classified as a Variant of Uncertain Significance. Advanced modeling of protein sequence and biophysical properties (such as structural, functional, and spatial information, amino acid conservation, physicochemical variation, residue mobility, and thermodynamic stability) performed at Invitae indicates that this missense variant is not expected to disrupt MYO5B protein function. This variant has not been reported in the literature in individuals affected with MYO5B-related conditions. This variant is not present in population databases (gnomAD no frequency). This sequence change replaces serine, which is neutral and polar, with asparagine, which is neutral and polar, at codon 128 of the MYO5B protein (p.Ser128Asn).

NM_001080467.3(MYO5B):c.383G>A (p.Ser128Asn)

Gene: MYO5B (myosin VB; minus strand). Cytogenetic location: 18q21.1.
Variant type: single nucleotide variant.
Coding change: c.383G>A on transcript NM_001080467.3 (MANE Select); coding-DNA position 383, G replaced by A.
Protein change: p.Ser128Asn; replaces serine 128 with asparagine.
Molecular consequence: missense variant.
Genome position (GRCh38, 1-based): chr18:50,036,922, C>T on the plus strand (G>A on the coding strand, the complement: MYO5B is on the minus strand). VCF-style: chr18-50036922-C-T. GRCh37 (hg19) VCF-style: chr18-47563292-C-T.
Other names: short protein forms S128N.
Identifiers: ClinVar variation 2047245 (VCV002047245.4), dbSNP rs2511263020, ClinGen allele CA402510008.